The following is an entry in ClinVar:

NM_139318.5(KCNH5):c.125A>G (p.Tyr42Cys)

Gene: KCNH5 (potassium voltage-gated channel subfamily H member 5; minus strand). Cytogenetic location: 14q23.2.
Variant type: single nucleotide variant.
Coding change: c.125A>G on transcript NM_139318.5 (MANE Select); coding-DNA position 125, A replaced by G.
Protein change: p.Tyr42Cys; replaces tyrosine 42 with cysteine.
Molecular consequence: missense variant.
Genome position (GRCh38, 1-based): chr14:63,016,903, T>C on the plus strand (A>G on the coding strand, the complement: KCNH5 is on the minus strand). VCF-style: chr14-63016903-T-C. GRCh37 (hg19) VCF-style: chr14-63483621-T-C.
Other names: c.125A>G, p.Tyr42Cys (NM_172375.3); short protein forms Y42C.
Identifiers: ClinVar variation 1489665 (VCV001489665.9), dbSNP rs1891337268, ClinGen allele CA390106420.
Genomic context (GRCh38, chr14:63,016,903, plus strand): 5'-CTTTTCTGCATGACGTCAGCTCGATGATATCCAGAGAGTTTACAAAAACCGTCATTACTA[T>C]AAACTACAGGCCAATCCACAATCTGGGCATTTCCCAGTAAGAAACTTGATTCTGAAGAAG-3'
Protein context (NP_647479.2, residues 32-52): NAQIVDWPVV[Tyr42Cys]SNDGFCKLSG

ClinVar aggregate classification (germline): Uncertain significance (1 of 4 stars; one submission).

Conditions:
Early-infantile DEE. Also called: Ohtahara syndrome; Early infantile epileptic encephalopathy; Early infantile epileptic encephalopathy with suppression bursts. Identifiers: Orphanet 1934, MedGen C0393706, MONDO:0800491.

Submission:

Labcorp Genetics (formerly Invitae), Labcorp
Classification: Uncertain significance for Early-infantile DEE. Last evaluated: 2021-04-21. Review status: criteria provided, single submitter. Criteria: Invitae Variant Classification Sherloc (09022015). Collection method: clinical testing. Allele origin: germline.
Comment: In summary, the available evidence is currently insufficient to determine the role of this variant in disease. Therefore, it has been classified as a Variant of Uncertain Significance. Advanced modeling of protein sequence and biophysical properties (such as structural, functional, and spatial information, amino acid conservation, physicochemical variation, residue mobility, and thermodynamic stability) performed at Invitae indicates that this missense variant is expected to disrupt KCNH5 protein function. This variant has not been reported in the literature in individuals with KCNH5-related conditions. This variant is not present in population databases (ExAC no frequency). This sequence change replaces tyrosine with cysteine at codon 42 of the KCNH5 protein (p.Tyr42Cys). The tyrosine residue is highly conserved and there is a large physicochemical difference between tyrosine and cysteine.